The following is an entry in ClinVar:

ClinVar aggregate classification (germline): Uncertain significance (1 of 4 stars; one submission).

Conditions:
PCNT-related disorder. Also called: PCNT-related condition.

gnomAD v4.1: 3 of 1,611,550 alleles (0.00019%); highest among the groups gnomAD compares: Admixed American, 0.005%; no homozygotes.

Submission:

PreventionGenetics, part of Exact Sciences
Classification: Uncertain significance for PCNT-related condition. Last evaluated: 2025-10-21. Review status: criteria provided, single submitter. Criteria: ACMG Guidelines, 2015. Collection method: clinical testing. Allele origin: germline.
Comment: The PCNT c.6103C>T variant is predicted to result in the amino acid substitution p.Leu2035Phe. To our knowledge, this variant has not been reported in the literature. This variant is reported in 0.014% of alleles in individuals of Latino descent in gnomAD. At this time, the clinical significance of this variant is uncertain due to the absence of conclusive functional and genetic evidence.

NM_006031.6(PCNT):c.6103C>T (p.Leu2035Phe)

Gene: PCNT (pericentrin; plus strand). Cytogenetic location: 21q22.3.
Variant type: single nucleotide variant.
Coding change: c.6103C>T on transcript NM_006031.6 (MANE Select); coding-DNA position 6103, C replaced by T.
Protein change: p.Leu2035Phe; replaces leucine 2035 with phenylalanine.
Molecular consequence: missense variant.
Genome position (GRCh38, 1-based): chr21:46,412,945, C>T. VCF-style: chr21-46412945-C-T. GRCh37 (hg19) VCF-style: chr21-47832859-C-T.
Other names: c.5749C>T, p.Leu1917Phe (NM_001315529.2); short protein forms L1917F, L2035F.
Identifiers: ClinVar variation 3029919 (VCV003029919.3), dbSNP rs759935874, ClinGen allele CA10080203.